The following is an entry in ClinVar:

ClinVar aggregate classification (germline): Uncertain significance. Review status: criteria provided, multiple submitters, no conflicts (2 of 4 stars). 4 submissions from 4 submitters: Uncertain significance (4). Last evaluated 2025-11-18.

Conditions:
Primary ciliary dyskinesia. Also called: Ciliary dyskinesia. Identifiers: Orphanet 244, MedGen C0008780, MONDO:0016575, HP:0012265.
DNAAF3-related disorder. Also called: DNAAF3-related condition.

Allele frequency attached by ClinVar (database versions not stated): gnomAD exomes 0.00005; gnomAD 0.00006 and 0.00007; TOPMed 0.00006; ExAC 0.00023.
gnomAD v4.1: 14 of 1,252,284 alleles (0.0011%); highest among the groups gnomAD compares: Admixed American, 0.017%; no homozygotes.

Submissions (4):

Ambry Genetics
Classification: Uncertain significance for Primary ciliary dyskinesia. Last evaluated: 2025-11-18. Review status: criteria provided, single submitter. Criteria: Ambry Variant Classification Scheme 2023. Collection method: clinical testing. Allele origin: germline.
Comment: The p.R199C variant (also known as c.595C>T), located in coding exon 5 of the DNAAF3 gene, results from a C to T substitution at nucleotide position 595. The arginine at codon 199 is replaced by cysteine, an amino acid with highly dissimilar properties. This amino acid position is conserved. In addition, this alteration is predicted to be tolerated by in silico analysis. Based on the available evidence, the clinical significance of this variant remains unclear.

Labcorp Genetics (formerly Invitae), Labcorp
Classification: Uncertain significance for Primary ciliary dyskinesia. Last evaluated: 2024-02-24. Review status: criteria provided, single submitter. Criteria: Invitae Variant Classification Sherloc (09022015). Collection method: clinical testing. Allele origin: germline.
Comment: This sequence change replaces arginine, which is basic and polar, with cysteine, which is neutral and slightly polar, at codon 199 of the DNAAF3 protein (p.Arg199Cys). The frequency data for this variant in the population databases is considered unreliable, as metrics indicate poor data quality at this position in the gnomAD database. This variant has not been reported in the literature in individuals affected with DNAAF3-related conditions. ClinVar contains an entry for this variant (Variation ID: 948297). Advanced modeling of protein sequence and biophysical properties (such as structural, functional, and spatial information, amino acid conservation, physicochemical variation, residue mobility, and thermodynamic stability) performed at Invitae indicates that this missense variant is not expected to disrupt DNAAF3 protein function with a negative predictive value of 80%. In summary, the available evidence is currently insufficient to determine the role of this variant in disease. Therefore, it has been classified as a Variant of Uncertain Significance.

GeneDx
Classification: Uncertain significance. Last evaluated: 2024-01-24. Review status: criteria provided, single submitter. Criteria: GeneDx Variant Classification Process June 2021. Collection method: clinical testing. Allele origin: germline. Affected: yes.
Comment: In silico analysis supports that this missense variant has a deleterious effect on protein structure/function; Has not been previously published as pathogenic or benign to our knowledge

PreventionGenetics, part of Exact Sciences
Classification: Uncertain significance for DNAAF3-related condition. Last evaluated: 2023-05-05. Review status: criteria provided, single submitter. Criteria: ACMG Guidelines, 2015. Collection method: clinical testing. Allele origin: germline.
Comment: The DNAAF3 c.595C>T variant is predicted to result in the amino acid substitution p.Arg199Cys. To our knowledge, this variant has not been reported in the literature. This variant is reported in 0.020% of alleles in individuals of African descent in gnomAD. At this time, the clinical significance of this variant is uncertain due to the absence of conclusive functional and genetic evidence.

NM_001256715.2(DNAAF3):c.391C>T (p.Arg131Cys)

Genes: DNAAF3 (dynein axonemal assembly factor 3; minus strand), DNAAF3-AS1 (DNAAF3 antisense RNA 1; plus strand). Cytogenetic location: 19q13.42.
Variant type: single nucleotide variant.
Coding change: c.391C>T on transcript NM_001256715.2 (MANE Select); coding-DNA position 391, C replaced by T.
Protein change: p.Arg131Cys; replaces arginine 131 with cysteine.
Molecular consequence: missense variant.
Genome position (GRCh38, 1-based): chr19:55,162,222, G>A on the plus strand (C>T on the coding strand, the complement: DNAAF3 is on the minus strand). VCF-style: chr19-55162222-G-A. GRCh37 (hg19) VCF-style: chr19-55673590-G-A.
Other names: c.595C>T, p.Arg199Cys (NM_001256714.1); c.229C>T, p.Arg77Cys (NM_001256716.2); c.532C>T, p.Arg178Cys (NM_178837.4); short protein forms R178C, R199C, R77C, R131C.
Identifiers: ClinVar variation 948297 (VCV000948297.13), dbSNP rs770679152, ClinGen allele CA9668155.
Genomic context (GRCh38, chr19:55,162,222, plus strand): 5'-GCTGTTCCTCCAGGCGGTCGGGCTCGGGGACCAGGTGCGCCAGCAGGTCGGCCTGGGCAC[G>A]CACGAAGGCGGCCACTGGCGGGCGCAGCAGCGCGTTCCCCCACACTTCCAGGAAGGTCTC-3'
Protein context (NP_001243644.1, residues 121-141): LLRPPVAAFV[Arg131Cys]AQADLLAHLV